The following is an entry in ClinVar:

NC_000011.10:g.119108075G>A

Genes: C2CD2L (C2CD2 like; plus strand), DPAGT1 (dolichyl-phosphate N-acetylglucosaminephosphotransferase 1; minus strand). Cytogenetic location: 11q23.3.
Variant type: single nucleotide variant.
Molecular consequence: missense variant (on NM_001290474.2).
Genome position: GRCh38 VCF-style: chr11-119108075-G-A. GRCh37 (hg19) VCF-style: chr11-118978785-G-A.
Other names: c.334G>A, p.Glu112Lys (NM_001290474.2, NM_001382611.1, NM_001382612.1 and 2 more transcripts); short protein forms E112K.
Identifiers: ClinVar variation 2642457 (VCV002642457.24), dbSNP rs140064567, ClinGen allele CA6314841.

ClinVar aggregate classification (germline): Likely benign (1 of 4 stars; one submission).

Allele frequency attached by ClinVar (database versions not stated): ESP Exome Variant Server 0.00063; TOPMed 0.00092; 1000 Genomes Project 30x 0.00094; 1000 Genomes Project 0.00120; gnomAD exomes 0.00142; gnomAD 0.00154; ExAC 0.00207.
gnomAD v4.1: 2,288 of 1,596,974 alleles (0.14%); highest among the groups gnomAD compares: Middle Eastern, 0.92%; 8 homozygotes.

Submission:

CeGaT Center for Human Genetics Tuebingen
Classification: Likely benign. Last evaluated: 2026-01-01. Review status: criteria provided, single submitter. Criteria: CeGaT Center For Human Genetics Tuebingen Variant Classification Criteria Version 2. Collection method: clinical testing. Allele origin: germline. Affected: yes. Observed: 2 variant alleles.
Comment: DPAGT1: BS1